The following is an entry in ClinVar:

NC_012920.1(MT-CYB):m.15852T>G

Gene: MT-CYB (mitochondrially encoded cytochrome b; plus strand).
Variant type: single nucleotide variant.
Genome position: chrM-15852-T-G.
Identifiers: ClinVar variation 693968 (VCV000693968.1), dbSNP rs1603225544, ClinGen allele CA913175020.

ClinVar aggregate classification (germline): Uncertain significance (1 of 4 stars; one submission).

Conditions:
Leigh syndrome (NULS). Also called: Leigh's necrotizing encephalopathy; Leigh's disease; Leigh's syndrome; LEIGH SYNDROME, NUCLEAR; Leigh Syndrome (mtDNA deletion); Leigh Disease. Identifiers: Orphanet 506, MedGen C2931891, MONDO:0009723, OMIM 256000.

Submission:

Wong Mito Lab, Molecular and Human Genetics, Baylor College of Medicine
Classification: Uncertain significance for Leigh syndrome. Last evaluated: 2019-10-17. Review status: criteria provided, single submitter. Criteria: Modified ACMG Guidelines (Unpublished). Collection method: clinical testing. Allele origin: germline.
Comment: The NC_012920.1:m.15852T>G (YP_003024038.1:p.Ile369Ser) variant in MTCYB gene is interpretated to be a Uncertain Significance variant based on the modified ACMG guidelines (unpublished). This variant meets the following evidence codes: PP7, BP4